The following is an entry in ClinVar:

NM_178014.4(TUBB):c.1156A>G (p.Thr386Ala)

Gene: TUBB (tubulin beta class I; plus strand). Cytogenetic location: 6p21.33.
Variant type: single nucleotide variant.
Coding change: c.1156A>G on transcript NM_178014.4 (MANE Select); coding-DNA position 1156, A replaced by G.
Protein change: p.Thr386Ala; replaces threonine 386 with alanine.
Molecular consequence: missense variant. On other transcripts: non-coding transcript variant (1).
Genome position (GRCh38, 1-based): chr6:30,724,218, A>G. VCF-style: chr6-30724218-A-G. GRCh37 (hg19) VCF-style: chr6-30691995-A-G.
Other names: c.1216A>G, p.Thr406Ala (NM_001293212.2); c.550A>G, p.Thr184Ala (NM_001293213.2); c.1024A>G, p.Thr342Ala (NM_001293214.2); c.940A>G, p.Thr314Ala (NM_001293215.2, NM_001293216.2); short protein forms T184A, T314A, T342A, T386A, T406A.
Identifiers: ClinVar variation 1711884 (VCV001711884.2), dbSNP rs2536610290, ClinGen allele CA363151230.

ClinVar aggregate classification (germline): Uncertain significance (1 of 4 stars; one submission).

Submission:

GeneDx
Classification: Uncertain significance. Last evaluated: 2022-04-19. Review status: criteria provided, single submitter. Criteria: GeneDx Variant Classification Process June 2021. Collection method: clinical testing. Allele origin: germline. Affected: yes.
Comment: Not observed at significant frequency in large population cohorts (gnomAD); In silico analysis supports that this missense variant does not alter protein structure/function; Has not been previously published as pathogenic or benign to our knowledge